The following is an entry in ClinVar:

ClinVar aggregate classification (germline): Uncertain significance (1 of 4 stars; one submission).

Conditions:
TTN-related disorder. Also called: TTN-related disorders; TTN-related condition; TTN-related disease.

gnomAD v4.1: 2 of 1,613,214 alleles (0.00012%); highest among the groups gnomAD compares: South Asian, 0.0011%; no homozygotes.

Submission:

PreventionGenetics, part of Exact Sciences
Classification: Uncertain significance for TTN-related condition. Last evaluated: 2026-05-09. Review status: criteria provided, single submitter. Criteria: ACMG Guidelines, 2015. Collection method: clinical testing. Allele origin: germline.
Comment: The TTN c.67180C>T variant is predicted to result in the amino acid substitution p.Arg22394Cys. To our knowledge, this variant has not been reported in the literature or in a large population database (gnomAD), indicating this variant is rare. At this time, the clinical significance of this variant is uncertain due to the absence of conclusive functional and genetic evidence.

NM_001267550.2(TTN):c.67180C>T (p.Arg22394Cys)

Genes: TTN (titin; minus strand), TTN-AS1 (TTN antisense RNA 1; plus strand). Cytogenetic location: 2q31.2.
Variant type: single nucleotide variant.
Coding change: c.67180C>T on transcript NM_001267550.2 (MANE Select); coding-DNA position 67180, C replaced by T.
Protein change: p.Arg22394Cys; replaces arginine 22394 with cysteine.
Molecular consequence: missense variant.
Genome position (GRCh38, 1-based): chr2:178,580,107, G>A on the plus strand (C>T on the coding strand, the complement: TTN is on the minus strand). VCF-style: chr2-178580107-G-A. GRCh37 (hg19) VCF-style: chr2-179444834-G-A.
Other names: c.62257C>T, p.Arg20753Cys (NM_001256850.1); c.39985C>T, p.Arg13329Cys (NM_003319.4); c.59476C>T, p.Arg19826Cys (NM_133378.4); c.40360C>T, p.Arg13454Cys (NM_133432.3); c.40561C>T, p.Arg13521Cys (NM_133437.4); short protein forms R13329C, R13521C, R19826C, R20753C, R13454C, R22394C.
Identifiers: ClinVar variation 4989453 (VCV004989453.1).
Genomic context (GRCh38, chr2:178,580,107, plus strand): 5'-TGAAGCTTGTTTTGGAGCACTCAGTTGTCACTGTAGACCAGGATTTCCTCTCTGCATCAC[G>A]TTTTTGTACCACATAGTTTATGATGGGGCTTCCGCCATCAATAATGGGAGGCTCCCAGGT-3'
Protein context (NP_001254479.2, residues 22384-22404): SPIINYVVQK[Arg22394Cys]DAERKSWSTV